The following is an entry in ClinVar:

ClinVar aggregate classification (germline): Pathogenic (1 of 4 stars; one submission).

Conditions:
Hypophosphatasia. Also called: Phosphoethanol-aminuria. Identifiers: Orphanet 436, MedGen C0020630, MeSH D007014, MONDO:0018570.

Submission:

Genomenon, Inc
Classification: Pathogenic for Hypophosphatasia. Last evaluated: 2025-08-29. Review status: criteria provided, single submitter. Criteria: Genomenon Sequence Variant Interpretation Standards. Collection method: curation. Allele origin: germline. Affected: yes.
Comment: ALPL p.Val130GlufsTer35 (c.389del) is a frameshift variant that results in the production of a truncated protein which is predicted to undergo nonsense-mediated mRNA decay. This variant has been observed in at least one proband affected with hypophosphatasia (PMID:12815606;36361766). It is absent or not present at a significant frequency in gnomAD. In conclusion, we classify ALPL p.Val130GlufsTer35 (c.389del) as a pathogenic variant.

Literature cited by the submitters: PubMed 12815606; PubMed 36361766.

NM_000478.6(ALPL):c.389del (p.Val130fs)

Gene: ALPL (alkaline phosphatase, biomineralization associated; plus strand). Cytogenetic location: 1p36.12.
Variant type: Deletion.
Coding change: c.389del on transcript NM_000478.6 (MANE Select); coding-DNA position 389, one base deleted (T; older notation c.389delT).
Protein change: p.Val130fs; shifts the reading frame from valine 130.
Molecular consequence: frameshift variant.
Genome position (GRCh38, 1-based): chr1:21,563,201, T deleted. VCF-style (leftmost placement, unchanged base first): chr1-21563200-GT-G. GRCh37 (hg19) VCF-style: chr1-21889693-GT-G.
Other names: c.224del, p.Val75fs (NM_001127501.4); c.158del, p.Val53fs (NM_001177520.3); c.389del, p.Val130fs (NM_001369803.2, NM_001369804.2, NM_001369805.2); short protein forms V130fs, V53fs, V75fs.
Identifiers: ClinVar variation 4086803 (VCV004086803.1).